The following is an entry in ClinVar:

NM_004333.6(BRAF):c.1206C>T (p.Pro402=)

Gene: BRAF (B-Raf proto-oncogene, serine/threonine kinase; minus strand). Cytogenetic location: 7q34.
Variant type: single nucleotide variant.
Coding change: c.1206C>T on transcript NM_004333.6 (MANE Select); coding-DNA position 1206, C replaced by T.
Protein change: p.Pro402=; no amino-acid change (proline 402 retained).
Molecular consequence: synonymous variant. On other transcripts: intron variant (2).
Genome position (GRCh38, 1-based): chr7:140,783,129, G>A on the plus strand (C>T on the coding strand, the complement: BRAF is on the minus strand). VCF-style: chr7-140783129-G-A. GRCh37 (hg19) VCF-style: chr7-140482929-G-A.
Other names: c.1206C>T, p.Pro402= (NM_001354609.2, NM_001378468.1, NM_001378474.1); c.1326C>T, p.Pro442= (NM_001374244.1, NM_001374258.1); c.1215C>T, p.Pro405= (NM_001378467.1); c.1104C>T, p.Pro368= (NM_001378470.1); c.1050C>T, p.Pro350= (NM_001378472.1, NM_001378473.1); c.942C>T, p.Pro314= (NM_001378475.1); c.1141-46C>T (NM_001378471.1); c.1178-38C>T (NM_001378469.1).
Identifiers: ClinVar variation 496225 (VCV000496225.14), dbSNP rs201758035, ClinGen allele CA4516774.

ClinVar aggregate classification (germline): Likely benign. Review status: criteria provided, multiple submitters, no conflicts (2 of 4 stars). 4 submissions from 4 submitters: Likely benign (3). 1 of the submissions does not count toward it. Last evaluated 2025-08-09.

Conditions:
BRAF-related disorder. Also called: BRAF-related condition.
Cardiovascular phenotype. Identifiers: MedGen CN230736.
RASopathy. Also called: Noonan spectrum disorder; rasopathies. Identifiers: Orphanet 536391, MedGen C5555857, MONDO:0021060.

Allele frequency attached by ClinVar (database versions not stated): TOPMed 0.00002.
gnomAD v4.1: 37 of 1,613,932 alleles (0.0023%); highest among the groups gnomAD compares: Non-Finnish European, 0.0029%; no homozygotes.

Submissions (4):

Ambry Genetics
Classification: Likely benign for Cardiovascular phenotype. Last evaluated: 2025-08-09. Review status: criteria provided, single submitter. Criteria: Ambry Variant Classification Scheme 2023. Collection method: clinical testing. Allele origin: germline.

Labcorp Genetics (formerly Invitae), Labcorp
Classification: Likely benign for RASopathy. Last evaluated: 2025-05-30. Review status: criteria provided, single submitter. Criteria: Invitae Variant Classification Sherloc (09022015). Collection method: clinical testing. Allele origin: germline.

Women's Health and Genetics/Laboratory Corporation of America, LabCorp
Classification: Likely benign. Last evaluated: 2019-09-03. Review status: criteria provided, single submitter. Criteria: LabCorp Variant Classification Summary - May 2015. Collection method: clinical testing. Allele origin: germline.

PreventionGenetics, part of Exact Sciences
Classification: Likely benign for BRAF-related condition. Last evaluated: 2021-10-29. Review status: no assertion criteria provided. Collection method: clinical testing. Allele origin: germline. Not counted in ClinVar's aggregate classification.
Comment: This variant is classified as likely benign based on ACMG/AMP sequence variant interpretation guidelines (Richards et al. 2015 PMID: 25741868, with internal and published modifications).